The following is an entry in ClinVar:

NM_001711.6(BGN):c.572G>A (p.Gly191Asp)

Gene: BGN (biglycan; plus strand). Cytogenetic location: Xq28.
Variant type: single nucleotide variant.
Coding change: c.572G>A on transcript NM_001711.6 (MANE Select); coding-DNA position 572, G replaced by A.
Protein change: p.Gly191Asp; replaces glycine 191 with aspartic acid.
Molecular consequence: missense variant.
Genome position (GRCh38, 1-based): chrX:153,506,535, G>A. VCF-style: chrX-153506535-G-A. GRCh37 (hg19) VCF-style: chrX-152771993-G-A.
Other names: short protein forms G191D.
Identifiers: ClinVar variation 2921020 (VCV002921020.1), dbSNP rs2521217232, ClinGen allele CA415070439.

ClinVar aggregate classification (germline): Uncertain significance (1 of 4 stars; one submission).

Submission:

ARUP Laboratories, Molecular Genetics and Genomics, ARUP Laboratories
Classification: Uncertain significance. Last evaluated: 2023-08-16. Review status: criteria provided, single submitter. Criteria: ARUP Molecular Germline Variant Investigation Process 2024. Collection method: clinical testing. Allele origin: germline.
Comment: The BGN c.572G>A; p.Gly191Asp variant, to our knowledge, is not reported in the medical literature or gene specific databases. This variant is also absent from the Genome Aggregation Database, indicating it is not a common polymorphism. Computational analyses are uncertain whether this variant is neutral or deleterious (REVEL: 0.633). Due to limited information, the clinical significance of this variant is uncertain at this time.